The following is an entry in ClinVar:

NM_007294.4(BRCA1):c.1303_1309delinsAAAGT (p.Asp435fs)

Gene: BRCA1 (BRCA1 DNA repair associated; minus strand). Cytogenetic location: 17q21.31.
Variant type: Indel.
Coding change: c.1303_1309delinsAAAGT on transcript NM_007294.4 (MANE Select); coding-DNA positions 1303 to 1309, GATCCTC replaced by AAAGT.
Protein change: p.Asp435fs; shifts the reading frame from aspartic acid 435.
Molecular consequence: frameshift variant. On other transcripts: intron variant (137).
Genome position (GRCh38, 1-based): chr17:43,094,222-43,094,228, GAGGATC replaced by ACTTT on the plus strand (GATCCTC replaced by AAAGT on the coding strand, the reverse complement: BRCA1 is on the minus strand). VCF-style: chr17-43094222-GAGGATC-ACTTT. GRCh37 (hg19) VCF-style: chr17-41246239-GAGGATC-ACTTT.
Other names: 1422del7ins5; c.646+516_646+522delinsAAAGT (NM_001408458.1, NM_001408469.1, NM_001408453.1 and 11 more transcripts); c.283+516_283+522delinsAAAGT (NM_001408512.1); c.406+516_406+522delinsAAAGT (NM_001408510.1); c.643+516_643+522delinsAAAGT (NM_001408470.1, NM_001408464.1, NM_001408468.1 and 3 more transcripts); c.784+516_784+522delinsAAAGT (NM_001408397.1, NM_001408401.1, NM_001408396.1 and 13 more transcripts); c.664+516_664+522delinsAAAGT (NM_001408436.1, NM_001408444.1, NM_001408438.1 and 12 more transcripts); c.787+516_787+522delinsAAAGT (NM_001407980.1, NM_001407993.1, NM_001407976.1 and 19 more transcripts); and 41 more; short protein forms D388fs, D435fs, D307fs, D368fs, D393fs, D409fs, D432fs, D139fs.
Identifiers: ClinVar variation 266155 (VCV000266155.4), dbSNP rs886039941, ClinGen allele CA10589949.

ClinVar aggregate classification (germline): Pathogenic (3 of 4 stars; one submission).

Conditions:
Breast-ovarian cancer, familial, susceptibility to, 1 (BROVCA1). Also called: BRCA1 Hereditary Breast and Ovarian Cancer; OVARIAN CANCER, SUSCEPTIBILITY TO. Identifiers: Orphanet 145, MedGen C2676676, MONDO:0011450, OMIM 604370. Disease mechanism: loss of function.

Submission:

Evidence-based Network for the Interpretation of Germline Mutant Alleles (ENIGMA)
Classification: Pathogenic for Breast-ovarian cancer, familial, susceptibility to, 1. Last evaluated: 2016-10-18. Review status: reviewed by expert panel. Criteria: ENIGMA BRCA1/2 Classification Criteria (2015). Collection method: curation. Allele origin: germline.
Comment: Variant allele predicted to encode a truncated non-functional protein.